The following is an entry in ClinVar:

ClinVar aggregate classification (germline): Uncertain significance (1 of 4 stars; one submission).

Submission:

Labcorp Genetics (formerly Invitae), Labcorp
Classification: Uncertain significance. Last evaluated: 2022-07-05. Review status: criteria provided, single submitter. Criteria: Invitae Variant Classification Sherloc (09022015). Collection method: clinical testing. Allele origin: germline.
Comment: This sequence change replaces histidine, which is basic and polar, with proline, which is neutral and non-polar, at codon 49 of the MPLKIP protein (p.His49Pro). This variant is not present in population databases (gnomAD no frequency). This variant has not been reported in the literature in individuals affected with MPLKIP-related conditions. ClinVar contains an entry for this variant (Variation ID: 1502080). Algorithms developed to predict the effect of missense changes on protein structure and function are either unavailable or do not agree on the potential impact of this missense change (SIFT: "Deleterious"; PolyPhen-2: "Possibly Damaging"; Align-GVGD: "Class C0"). In summary, the available evidence is currently insufficient to determine the role of this variant in disease. Therefore, it has been classified as a Variant of Uncertain Significance.

NM_138701.4(MPLKIP):c.146A>C (p.His49Pro)

Gene: MPLKIP (M-phase specific PLK1 interacting protein; minus strand). Cytogenetic location: 7p14.1.
Variant type: single nucleotide variant.
Coding change: c.146A>C on transcript NM_138701.4 (MANE Select); coding-DNA position 146, A replaced by C.
Protein change: p.His49Pro; replaces histidine 49 with proline.
Molecular consequence: missense variant.
Genome position (GRCh38, 1-based): chr7:40,134,422, T>G on the plus strand (A>C on the coding strand, the complement: MPLKIP is on the minus strand). VCF-style: chr7-40134422-T-G. GRCh37 (hg19) VCF-style: chr7-40174021-T-G.
Other names: short protein forms H49P.
Identifiers: ClinVar variation 1502080 (VCV001502080.8), dbSNP rs1180071223, ClinGen allele CA367308515.